The following is an entry in ClinVar:

NM_001142966.3(GREB1L):c.3364A>T (p.Asn1122Tyr)

Gene: GREB1L (GREB1 like retinoic acid receptor coactivator; plus strand). Cytogenetic location: 18q11.1.
Variant type: single nucleotide variant.
Coding change: c.3364A>T on transcript NM_001142966.3 (MANE Select); coding-DNA position 3364, A replaced by T.
Protein change: p.Asn1122Tyr; replaces asparagine 1122 with tyrosine.
Molecular consequence: missense variant.
Genome position (GRCh38, 1-based): chr18:21,496,671, A>T. VCF-style: chr18-21496671-A-T. GRCh37 (hg19) VCF-style: chr18-19076632-A-T.
Other names: short protein forms N1122Y.
Identifiers: ClinVar variation 1033327 (VCV001033327.3), dbSNP rs1031282519, ClinGen allele CA296943840.

ClinVar aggregate classification (germline): Conflicting classifications of pathogenicity. Review status: criteria provided, conflicting classifications (1 of 4 stars). 3 submissions from 3 submitters: Uncertain significance (2); Likely benign (1). Last evaluated 2025-10-10.

Conditions:
GREB1L-related disorder. Also called: GREB1L-related condition.
Renal hypodysplasia/aplasia 3 (RHDA3). Identifiers: MedGen C4540497, MONDO:0024520, OMIM 617805.

Allele frequency attached by ClinVar (database versions not stated): gnomAD 0.00001; gnomAD exomes 0.00004 and 0.00011; TOPMed 0.00008.
gnomAD v4.1: 25 of 1,551,452 alleles (0.0016%); highest among the groups gnomAD compares: Admixed American, 0.047%; no homozygotes.

Submissions (3):

PreventionGenetics, part of Exact Sciences
Classification: Likely benign for GREB1L-related condition. Last evaluated: 2025-10-10. Review status: criteria provided, single submitter. Criteria: ACMG Guidelines, 2015. Collection method: clinical testing. Allele origin: germline.
Comment: This variant is classified as likely benign based on ACMG/AMP sequence variant interpretation guidelines (Richards et al. 2015 PMID: 25741868, with internal and published modifications).

Labcorp Genetics (formerly Invitae), Labcorp
Classification: Uncertain significance. Last evaluated: 2025-03-19. Review status: criteria provided, single submitter. Criteria: Invitae Variant Classification Sherloc (09022015). Collection method: clinical testing. Allele origin: germline.
Comment: This sequence change replaces asparagine, which is neutral and polar, with tyrosine, which is neutral and polar, at codon 1122 of the GREB1L protein (p.Asn1122Tyr). This variant is present in population databases (no rsID available, gnomAD 0.07%), and has an allele count higher than expected for a pathogenic variant. This variant has not been reported in the literature in individuals affected with GREB1L-related conditions. ClinVar contains an entry for this variant (Variation ID: 1033327). An algorithm developed to predict the effect of missense changes on protein structure and function (PolyPhen-2) suggests that this variant is likely to be disruptive. In summary, the available evidence is currently insufficient to determine the role of this variant in disease. Therefore, it has been classified as a Variant of Uncertain Significance.

Baylor Genetics
Classification: Uncertain significance for Renal hypodysplasia/aplasia 3. Last evaluated: 2018-02-11. Review status: criteria provided, single submitter. Criteria: ACMG Guidelines, 2015. Collection method: clinical testing. Allele origin: unknown. Affected: yes.
Comment: This variant was determined to be of uncertain significance according to ACMG Guidelines, 2015 [PMID:25741868].